The following is an entry in ClinVar:

ClinVar aggregate classification (germline): Uncertain significance (1 of 4 stars; one submission).

Conditions:
Hereditary cancer-predisposing syndrome. Also called: Neoplastic Syndromes, Hereditary; Tumor predisposition; Hereditary neoplastic syndrome; Hereditary Cancer Syndrome. Identifiers: Orphanet 140162, MedGen C0027672, MeSH D009386, MONDO:0015356.

Submission:

Ambry Genetics
Classification: Uncertain significance for Hereditary cancer-predisposing syndrome. Last evaluated: 2025-05-22. Review status: criteria provided, single submitter. Criteria: Ambry Variant Classification Scheme 2023. Collection method: clinical testing. Allele origin: germline.
Comment: The p.E204D variant (also known as c.612G>C), located in coding exon 3 of the MSH6 gene, results from a G to C substitution at nucleotide position 612. The glutamic acid at codon 204 is replaced by aspartic acid, an amino acid with highly similar properties. This amino acid position is highly conserved in available vertebrate species. In addition, this alteration is predicted to be tolerated by in silico analysis. Based on the available evidence, the clinical significance of this variant remains unclear.

NM_000179.3(MSH6):c.612G>C (p.Glu204Asp)

Gene: MSH6 (mutS homolog 6; plus strand). Cytogenetic location: 2p16.3.
Variant type: single nucleotide variant.
Coding change: c.612G>C on transcript NM_000179.3 (MANE Select); coding-DNA position 612, G replaced by C.
Protein change: p.Glu204Asp; replaces glutamic acid 204 with aspartic acid.
Molecular consequence: missense variant. On other transcripts: 5 prime UTR variant (2), non-coding transcript variant (5), intron variant (8).
Genome position (GRCh38, 1-based): chr2:47,796,048, G>C. VCF-style: chr2-47796048-G-C. GRCh37 (hg19) VCF-style: chr2-48023187-G-C.
Other names: c.-291G>C (NM_001281494.2); c.708G>C, p.Glu236Asp (NM_001406795.1, NM_001406802.1); c.612G>C, p.Glu204Asp (NM_001406796.1, NM_001406798.1, NM_001406800.1 and 5 more transcripts); c.315G>C, p.Glu105Asp (NM_001406797.1, NM_001406801.1, NM_001406805.1 and 10 more transcripts); c.87G>C, p.Glu29Asp (NM_001406799.1, NM_001406806.1, NM_001406807.1); c.534G>C, p.Glu178Asp (NM_001406804.1); c.618G>C, p.Glu206Asp (NM_001406813.1); c.-383G>C (NM_001406814.1); and 3 more; short protein forms E105D, E148D, E178D, E204D, E206D, E236D, E29D.
Identifiers: ClinVar variation 3230585 (VCV003230585.2), dbSNP rs2104240173, ClinGen allele CA346738880.